The following is an entry in ClinVar:

ClinVar aggregate classification (germline): Likely benign (1 of 4 stars; one submission).

gnomAD v4.1: 21 of 1,613,772 alleles (0.0013%); highest among the groups gnomAD compares: African/African-American, 0.0053%; no homozygotes.

Submission:

CeGaT Center for Human Genetics Tuebingen
Classification: Likely benign. Last evaluated: 2026-03-01. Review status: criteria provided, single submitter. Criteria: CeGaT Center For Human Genetics Tuebingen Variant Classification Criteria Version 2. Collection method: clinical testing. Allele origin: germline. Affected: yes. Observed: 1 variant allele.
Comment: AAK1: BP4, BP7

NM_014911.5(AAK1):c.105C>T (p.Ile35=)

Gene: AAK1 (AP2 associated kinase 1; minus strand). Cytogenetic location: 2p13.3.
Variant type: single nucleotide variant.
Coding change: c.105C>T on transcript NM_014911.5 (MANE Select); coding-DNA position 105, C replaced by T.
Protein change: p.Ile35=; no amino-acid change (isoleucine 35 retained).
Molecular consequence: synonymous variant.
Genome position (GRCh38, 1-based): chr2:69,642,936, G>A on the plus strand (C>T on the coding strand, the complement: AAK1 is on the minus strand). VCF-style: chr2-69642936-G-A. GRCh37 (hg19) VCF-style: chr2-69870068-G-A.
Other names: c.105C>T, p.Ile35= (NM_001371575.1, NM_001371577.1, NM_001426745.1 and 1 more transcripts).
Identifiers: ClinVar variation 4821680 (VCV004821680.4).
Genomic context (GRCh38, chr2:69,642,936, plus strand): 5'-ACCTTCCGCCAACACCTCGTCCACTGTGACCTGCTGTCGCCCGATGCCGAAGACTCTTCC[G>A]ATGTAGCCACTGCCCAGGCCCGAGGTGCTGCCCCCTCCTCCGCTGGAGCCGGAGCCCAGG-3'
Protein context (NP_055726.4, residues 25-45): GSTSGLGSGY[Ile35=]GRVFGIGRQQ